The following is an entry in ClinVar:

ClinVar aggregate classification (germline): Uncertain significance (1 of 4 stars; one submission).

Conditions:
Congenital myopathy with internal nuclei and atypical cores. Also called: Myopathy, centronuclear, 4. Identifiers: Orphanet 319160, MedGen C4707232, MONDO:0013890, OMIM 614807.

Allele frequency attached by ClinVar (database versions not stated): ExAC 0.00001; gnomAD exomes 0.00001; gnomAD 0.00002 and 0.00003; TOPMed 0.00003.
gnomAD v4.1: 16 of 1,611,526 alleles (0.00099%); highest among the groups gnomAD compares: Middle Eastern, 0.033%; no homozygotes.

Submission:

Labcorp Genetics (formerly Invitae), Labcorp
Classification: Uncertain significance for Congenital myopathy with internal nuclei and atypical cores. Last evaluated: 2025-06-12. Review status: criteria provided, single submitter. Criteria: Invitae Variant Classification Sherloc (09022015). Collection method: clinical testing. Allele origin: germline.
Comment: This sequence change replaces arginine, which is basic and polar, with tryptophan, which is neutral and slightly polar, at codon 294 of the CCDC78 protein (p.Arg294Trp). This variant is present in population databases (rs772096201, gnomAD 0.006%). This variant has not been reported in the literature in individuals affected with CCDC78-related conditions. ClinVar contains an entry for this variant (Variation ID: 568175). Invitae Evidence Modeling of protein sequence and biophysical properties (such as structural, functional, and spatial information, amino acid conservation, physicochemical variation, residue mobility, and thermodynamic stability) indicates that this missense variant is not expected to disrupt CCDC78 protein function with a negative predictive value of 80%. In summary, the available evidence is currently insufficient to determine the role of this variant in disease. Therefore, it has been classified as a Variant of Uncertain Significance.

NM_001378030.1(CCDC78):c.880C>T (p.Arg294Trp)

Gene: CCDC78 (coiled-coil domain containing 78; minus strand). Cytogenetic location: 16p13.3.
Variant type: single nucleotide variant.
Coding change: c.880C>T on transcript NM_001378030.1 (MANE Select); coding-DNA position 880, C replaced by T.
Protein change: p.Arg294Trp; replaces arginine 294 with tryptophan.
Molecular consequence: missense variant. On other transcripts: non-coding transcript variant (5).
Genome position (GRCh38, 1-based): chr16:724,395, G>A on the plus strand (C>T on the coding strand, the complement: CCDC78 is on the minus strand). VCF-style: chr16-724395-G-A. GRCh37 (hg19) VCF-style: chr16-774395-G-A.
Other names: c.880C>T, p.Arg294Trp (NM_001378031.1, NM_001031737.3); c.313C>T, p.Arg105Trp (NM_001378033.1); short protein forms R294W, R105W.
Identifiers: ClinVar variation 568175 (VCV000568175.8), dbSNP rs772096201, ClinGen allele CA7789366.